The following is an entry in ClinVar:

NM_000545.8(HNF1A):c.1A>G (p.Met1Val)

Gene: HNF1A (HNF1 homeobox A; plus strand). Cytogenetic location: 12q24.31.
Variant type: single nucleotide variant.
Coding change: c.1A>G on transcript NM_000545.8 (MANE Select); coding-DNA position 1, A replaced by G.
Protein change: p.Met1Val; changes the start codon (methionine 1).
Molecular consequence: missense variant, initiator codon variant.
Genome position (GRCh38, 1-based): chr12:120,978,769, A>G. VCF-style: chr12-120978769-A-G. GRCh37 (hg19) VCF-style: chr12-121416572-A-G.
Other names: NM_000545.6(HNF1A):c.1A>G; c.1A>G, p.Met1Val (NM_001306179.2); short protein forms M1V.
Identifiers: ClinVar variation 36814 (VCV000036814.12), dbSNP rs193922592, ClinGen allele CA214292.

ClinVar aggregate classification (germline): Pathogenic. Review status: reviewed by expert panel (3 of 4 stars). 5 submissions from 5 submitters: Pathogenic (1). 4 of the submissions do not count toward it. Last evaluated 2022-03-04.

Conditions:
Monogenic diabetes. Identifiers: Orphanet 183625, MedGen C3888631, MONDO:0015967.
Maturity-onset diabetes of the young (MODY). Also called: Maturity onset diabetes mellitus in young. Identifiers: Orphanet 552, MedGen C0342276, MONDO:0018911, HP:0004904.
Maturity-onset diabetes of the young type 3. Also called: MODY type 3; MODY, type III. Identifiers: Orphanet 552, MedGen C1838100, MeSH C563933, MONDO:0010894, OMIM 600496. Disease mechanism: loss of function.

Submissions (5):

ClinGen Monogenic Diabetes Variant Curation Expert Panel
Classification: Pathogenic for Monogenic diabetes. Last evaluated: 2022-03-04. Review status: reviewed by expert panel. Criteria: ClinGen Diabetes ACMG Specifications v1 1. Collection method: curation. Allele origin: germline. Inheritance: Autosomal dominant inheritance.
Comment: The c.1A>G variant in the HNF1 homeobox A gene, HNF1A, results in the loss of the initiation codon (p.Met1Val) of NM_000545.8. By altering the start codon of the coding sequence, this variant is predicted to cause a truncated or absent protein in a gene in which loss-of-function is an established disease mechanism (PVS1; PMID: 23348805). This variant is absent from gnomAD v2.1.1 (PM2_Supporting). This variant was identified in an individual with a clinical history highly specific for HNF1A-MODY (MODY probability calculator result >50%, negative genetic testing for HNF4A, antibody negative) (PP4_Moderate; internal lab contributor). In summary, c.1A>G meets the criteria to be classified as pathogenic for monogenic diabetes. ACMG/AMP criteria applied, as specified by the ClinGen MDEP (specification version 1.0, approved 9/30/2021): PVS1, PM2_Supporting, PP4_Moderate

Labcorp Genetics (formerly Invitae), Labcorp
Classification: Pathogenic. Last evaluated: 2023-04-03. Review status: criteria provided, single submitter. Criteria: Invitae Variant Classification Sherloc (09022015). Collection method: clinical testing. Allele origin: germline. Not counted in ClinVar's aggregate classification.
Comment: For these reasons, this variant has been classified as Pathogenic. This variant disrupts a region of the HNF1A protein in which other variant(s) (p.Leu107Arg) have been determined to be pathogenic (PMID: 9166684). This suggests that this is a clinically significant region of the protein, and that variants that disrupt it are likely to be disease-causing. ClinVar contains an entry for this variant (Variation ID: 36814). This variant has not been reported in the literature in individuals affected with HNF1A-related conditions. This variant is not present in population databases (gnomAD no frequency). This sequence change affects the initiator methionine of the HNF1A mRNA. The next in-frame methionine is located at codon 118.

Athena Diagnostics
Classification: Pathogenic. Last evaluated: 2021-10-21. Review status: criteria provided, single submitter. Criteria: Athena Diagnostics Criteria. Collection method: clinical testing. Allele origin: unknown. Not counted in ClinVar's aggregate classification.
Comment: This variant results in the loss of the initiator methionine codon and is predicted to interfere with protein translation. If translation were to begin at the next methionine codon, p.Met118, the dimerization domain would be lost. This variant has not been reported in large, multi-ethnic general populations. This variant has been identified in at least one individual with clinical features associated with this gene. Three different variants at this initiator codon have been reported in the literature.

Women's Health and Genetics/Laboratory Corporation of America, LabCorp
Classification: Likely pathogenic for MODY3. Last evaluated: 2011-08-18. Review status: criteria provided, single submitter. Criteria: LabCorp Variant Classification Summary - May 2015. Collection method: curation, clinical testing. Allele origin: germline. Inheritance: autosomal unknown. Affected: yes. Not counted in ClinVar's aggregate classification.
ClinVar note: Converted during submission from likely pathogenic to Likely pathogenic.

Clinical Genomics, Uppaluri K&H Personalized Medicine Clinic
Classification: Pathogenic for Maturity-onset diabetes of the young. Review status: criteria provided, single submitter. Criteria: K & H Uppaluri Personalized Medicine Clinic Variant Classification & Assertion Criteria_Updated V.1. Collection method: research. Allele origin: unknown. Inheritance: Autosomal dominant inheritance. Not counted in ClinVar's aggregate classification.
Comment: Mutations in HNF1A gene can predispose to MODY3. It is associated with both micro and macrovascular complications of diabetes, especially cardiovascular complications. Associated with glucosuria. May respond well to sulfonylureas. Sufficient evidence is found to confer the association of this particular variant rs193922592 with MODY3.

Literature cited by the submitters: PubMed 9166684 (cited by Labcorp Genetics (formerly Invitae), Labcorp); PubMed 34458657 (cited by Clinical Genomics, Uppaluri K&H Personalized Medicine Clinic).